The following is an entry in ClinVar:

NM_000545.8(HNF1A):c.*1071G>T

Genes: C12orf43 (chromosome 12 open reading frame 43; minus strand), HNF1A (HNF1 homeobox A; plus strand). Cytogenetic location: 12q24.31.
Variant type: single nucleotide variant.
Coding change: c.*1071G>T on transcript NM_000545.8 (MANE Select); 1071 bases downstream of the stop codon, G replaced by T.
Molecular consequence: 3 prime UTR variant.
Genome position (GRCh38, 1-based): chr12:121,002,263, G>T. VCF-style: chr12-121002263-G-T. GRCh37 (hg19) VCF-style: chr12-121440066-G-T.
Other names: c.*1890C>A (NM_001286191.2, NM_001286196.2, NM_022895.3); c.*1071G>T (NM_001306179.2, NM_001406915.1).
Identifiers: ClinVar variation 307474 (VCV000307474.9), dbSNP rs886049035, ClinGen allele CA10641201.

ClinVar aggregate classification (germline): Uncertain significance. Review status: reviewed by expert panel (3 of 4 stars). 2 submissions from 2 submitters: Uncertain significance (1). 1 of the submissions does not count toward it. Last evaluated 2025-10-03.

Conditions:
Monogenic diabetes. Identifiers: Orphanet 183625, MedGen C3888631, MONDO:0015967.
Maturity-onset diabetes of the young type 3. Also called: MODY, type III; MODY type 3. Identifiers: Orphanet 552, MedGen C1838100, MeSH C563933, MONDO:0010894, OMIM 600496. Disease mechanism: loss of function.

Submissions (2):

ClinGen Monogenic Diabetes Variant Curation Expert Panel
Classification: Uncertain significance for Monogenic diabetes. Last evaluated: 2025-10-03. Review status: reviewed by expert panel. Criteria: ClinGen Diabetes ACMG Specifications HNF1A V3.0.0. Collection method: curation. Allele origin: germline. Inheritance: Autosomal dominant inheritance.
Comment: The c.*1071G>T variant in the HNF1 homeobox A gene, HNF1A, is a single nucleotide variant within the 3' untranslated region of NM_000545.8. This variant is absent from gnomAD v4.1.0 (PM2_Supporting). In summary, c.*1071G>T meets the criteria to be classified as a variant of uncertain significance for monogenic diabetes. ACMG/AMP criteria applied, as specified by the ClinGen MDEP (specification version 3.0.0, approved 6/30/2025): PM2_Supporting.

Illumina Laboratory Services, Illumina
Classification: Uncertain significance for Maturity-onset diabetes of the young type 3. Last evaluated: 2018-01-12. Review status: criteria provided, single submitter. Criteria: ICSL Variant Classification Criteria 13 December 2019. Collection method: clinical testing. Allele origin: germline. Not counted in ClinVar's aggregate classification.